The following is an entry in ClinVar:

ClinVar aggregate classification (germline): Pathogenic (1 of 4 stars; one submission).

Conditions:
Neurofibromatosis, type 1 (NF1). Also called: VON RECKLINGHAUSEN DISEASE; Neurofibromatosis, type I; Peripheral type neurofibromatosis; NEUROFIBROMATOSIS, TYPE I, SOMATIC. Identifiers: Orphanet 636, MedGen C0027831, MONDO:0018975, OMIM 162200. Disease mechanism: loss of function.

Submission:

Labcorp Genetics (formerly Invitae), Labcorp
Classification: Pathogenic for Neurofibromatosis, type 1. Last evaluated: 2025-09-24. Review status: criteria provided, single submitter. Criteria: Invitae Variant Classification Sherloc (09022015). Collection method: clinical testing. Allele origin: germline.
Comment: This sequence change replaces glycine, which is neutral and non-polar, with alanine, which is neutral and non-polar, at codon 1869 of the NF1 protein (p.Gly1869Ala). This variant is not present in population databases (gnomAD no frequency). This missense change has been observed in individual(s) with neurofibromatosis type 1 (internal data). In at least one individual the variant was observed to be de novo. ClinVar contains an entry for this variant (Variation ID: 1519428). Invitae Evidence Modeling of protein sequence and biophysical properties (such as structural, functional, and spatial information, amino acid conservation, physicochemical variation, residue mobility, and thermodynamic stability) indicates that this missense variant is expected to disrupt NF1 protein function with a positive predictive value of 95%. This variant disrupts the p.Gly1869 amino acid residue in NF1. Other variant(s) that disrupt this residue have been determined to be pathogenic (PMID: 23656349, 26275891; internal data). This suggests that this residue is clinically significant, and that variants that disrupt this residue are likely to be disease-causing. For these reasons, this variant has been classified as Pathogenic.

Literature cited by the submitters: PubMed 23656349; PubMed 26275891.

NM_001042492.3(NF1):c.5669G>C (p.Gly1890Ala)

Gene: NF1 (neurofibromin 1; plus strand). Cytogenetic location: 17q11.2.
Variant type: single nucleotide variant.
Coding change: c.5669G>C on transcript NM_001042492.3 (MANE Select); coding-DNA position 5669, G replaced by C.
Protein change: p.Gly1890Ala; replaces glycine 1890 with alanine.
Molecular consequence: missense variant.
Genome position (GRCh38, 1-based): chr17:31,330,355, G>C. VCF-style: chr17-31330355-G-C. GRCh37 (hg19) VCF-style: chr17-29657373-G-C.
Other names: c.5606G>C, p.Gly1869Ala (NM_000267.4); short protein forms G1869A, G1890A.
Identifiers: ClinVar variation 1519428 (VCV001519428.6), dbSNP rs1567613630, ClinGen allele CA399010219.
Genomic context (GRCh38, chr17:31,330,355, plus strand): 5'-GGTCAGCTGCCTATAATCTTCTGTGTGCCTTAACTTGTACCTTTAATTTAAAAATCGAGG[G>C]CCAGTTACTAGAGACATCAGGTTTATGTATCCCTGCCAACAACACCCTCTTTATTGTCTC-3'
Protein context (NP_001035957.1, residues 1880-1900): LTCTFNLKIE[Gly1890Ala]QLLETSGLCI